The following is an entry in ClinVar:

NM_017999.5(RNF31):c.436G>A (p.Val146Ile)

Gene: RNF31 (ring finger protein 31; plus strand). Cytogenetic location: 14q12.
Variant type: single nucleotide variant.
Coding change: c.436G>A on transcript NM_017999.5 (MANE Select); coding-DNA position 436, G replaced by A.
Protein change: p.Val146Ile; replaces valine 146 with isoleucine.
Molecular consequence: missense variant. On other transcripts: 5 prime UTR variant (1).
Genome position (GRCh38, 1-based): chr14:24,148,354, G>A. VCF-style: chr14-24148354-G-A. GRCh37 (hg19) VCF-style: chr14-24617563-G-A.
Other names: c.-82G>A (NM_001310332.2); short protein forms V146I.
Identifiers: ClinVar variation 4797236 (VCV004797236.1).

ClinVar aggregate classification (germline): Uncertain significance (1 of 4 stars; one submission).

gnomAD v4.1: 18 of 1,614,086 alleles (0.0011%); highest among the groups gnomAD compares: Non-Finnish European, 0.0015%; no homozygotes.

Submission:

Labcorp Genetics (formerly Invitae), Labcorp
Classification: Uncertain significance. Last evaluated: 2025-08-29. Review status: criteria provided, single submitter. Criteria: Invitae Variant Classification Sherloc (09022015). Collection method: clinical testing. Allele origin: germline.
Comment: This sequence change replaces valine, which is neutral and non-polar, with isoleucine, which is neutral and non-polar, at codon 146 of the RNF31 protein (p.Val146Ile). This variant is not present in population databases (gnomAD no frequency). This variant has not been reported in the literature in individuals affected with RNF31-related conditions. An algorithm developed to predict the effect of missense changes on protein structure and function (PolyPhen-2) suggests that this variant is likely to be disruptive. In summary, the available evidence is currently insufficient to determine the role of this variant in disease. Therefore, it has been classified as a Variant of Uncertain Significance.